The following is an entry in ClinVar:

NM_032608.7(MYO18B):c.3449C>T (p.Ser1150Phe)

Gene: MYO18B (myosin XVIIIB; plus strand). Cytogenetic location: 22q12.1.
Variant type: single nucleotide variant.
Coding change: c.3449C>T on transcript NM_032608.7 (MANE Select); coding-DNA position 3449, C replaced by T.
Protein change: p.Ser1150Phe; replaces serine 1150 with phenylalanine.
Molecular consequence: missense variant.
Genome position (GRCh38, 1-based): chr22:25,846,180, C>T. VCF-style: chr22-25846180-C-T. GRCh37 (hg19) VCF-style: chr22-26242147-C-T.
Other names: c.3452C>T, p.Ser1151Phe (NM_001318245.2); short protein forms S1150F, S1151F.
Identifiers: ClinVar variation 1913686 (VCV001913686.5), dbSNP rs1205519119, ClinGen allele CA410999240.

ClinVar aggregate classification (germline): Uncertain significance (1 of 4 stars; one submission).

Allele frequency attached by ClinVar (database versions not stated): gnomAD exomes 0.00001; TOPMed 0.00012; gnomAD 0.00014.
gnomAD v4.1: 35 of 1,611,664 alleles (0.0022%); highest among the groups gnomAD compares: Admixed American, 0.058%; 1 homozygote.

Submission:

Labcorp Genetics (formerly Invitae), Labcorp
Classification: Uncertain significance. Last evaluated: 2025-03-03. Review status: criteria provided, single submitter. Criteria: Invitae Variant Classification Sherloc (09022015). Collection method: clinical testing. Allele origin: germline.
Comment: This sequence change replaces serine, which is neutral and polar, with phenylalanine, which is neutral and non-polar, at codon 1150 of the MYO18B protein (p.Ser1150Phe). This variant is present in population databases (no rsID available, gnomAD 0.04%). This variant has not been reported in the literature in individuals affected with MYO18B-related conditions. ClinVar contains an entry for this variant (Variation ID: 1913686). An algorithm developed to predict the effect of missense changes on protein structure and function (PolyPhen-2) suggests that this variant is likely to be disruptive. In summary, the available evidence is currently insufficient to determine the role of this variant in disease. Therefore, it has been classified as a Variant of Uncertain Significance.